The following is an entry in ClinVar:

NM_080916.3(DGUOK):c.143-1G>A

Gene: DGUOK (deoxyguanosine kinase; plus strand). Cytogenetic location: 2p13.1.
Variant type: single nucleotide variant.
Coding change: c.143-1G>A on transcript NM_080916.3 (MANE Select); the canonical splice acceptor site of the intron before coding-DNA position 143, G replaced by A.
Molecular consequence: splice acceptor variant. On other transcripts: intron variant (4).
Genome position (GRCh38, 1-based): chr2:73,938,909, G>A. VCF-style: chr2-73938909-G-A. GRCh37 (hg19) VCF-style: chr2-74166036-G-A.
Other names: c.-37+6226G>A (NM_001318861.2, NM_001318862.2); c.143-1G>A (NM_080918.3, NM_001318859.2); c.-36-7810G>A (NM_001318860.2, NM_001318863.2).
Identifiers: ClinVar variation 2867927 (VCV002867927.3), dbSNP rs1681684655, ClinGen allele CA347297382.

ClinVar aggregate classification (germline): Likely pathogenic (1 of 4 stars; one submission).

Allele frequency attached by ClinVar (database versions not stated): gnomAD exomes below 0.00001.
gnomAD v4.1: 2 of 1,607,552 alleles (0.00012%); highest among the groups gnomAD compares: Non-Finnish European, 0.00017%; no homozygotes.

Submission:

Labcorp Genetics (formerly Invitae), Labcorp
Classification: Likely pathogenic. Last evaluated: 2023-11-24. Review status: criteria provided, single submitter. Criteria: Invitae Variant Classification Sherloc (09022015). Collection method: clinical testing. Allele origin: germline.
Comment: This sequence change affects an acceptor splice site in intron 1 of the DGUOK gene. It is expected to disrupt RNA splicing. Variants that disrupt the donor or acceptor splice site typically lead to a loss of protein function (PMID: 16199547), and loss-of-function variants in DGUOK are known to be pathogenic (PMID: 18205204). This variant is not present in population databases (gnomAD no frequency). This variant has not been reported in the literature in individuals affected with DGUOK-related conditions. Algorithms developed to predict the effect of sequence changes on RNA splicing suggest that this variant may disrupt the consensus splice site. In summary, the currently available evidence indicates that the variant is pathogenic, but additional data are needed to prove that conclusively. Therefore, this variant has been classified as Likely Pathogenic.

Literature cited by the submitters: PubMed 16199547; PubMed 18205204.